The following is an entry in ClinVar:

NM_003924.4(PHOX2B):c.201G>C (p.Leu67=)

Genes: PHOX2B (paired like homeobox 2B; minus strand), PHOX2B-AS1 (PHOX2B antisense RNA 1; plus strand). Cytogenetic location: 4p13.
Variant type: single nucleotide variant.
Coding change: c.201G>C on transcript NM_003924.4 (MANE Select); coding-DNA position 201, G replaced by C.
Protein change: p.Leu67=; no amino-acid change (leucine 67 retained).
Molecular consequence: synonymous variant.
Genome position (GRCh38, 1-based): chr4:41,748,410, C>G on the plus strand (G>C on the coding strand, the complement: PHOX2B is on the minus strand). VCF-style: chr4-41748410-C-G. GRCh37 (hg19) VCF-style: chr4-41750427-C-G.
Identifiers: ClinVar variation 1784527 (VCV001784527.10), dbSNP rs2552097165, ClinGen allele CA438979547.

ClinVar aggregate classification (germline): Likely benign. Review status: criteria provided, multiple submitters, no conflicts (2 of 4 stars). 2 submissions from 2 submitters: Likely benign (2). Last evaluated 2025-08-01.

Conditions:
Hereditary cancer-predisposing syndrome. Also called: Hereditary neoplastic syndrome; Neoplastic Syndromes, Hereditary; Tumor predisposition; Hereditary Cancer Syndrome. Identifiers: Orphanet 140162, MedGen C0027672, MeSH D009386, MONDO:0015356.

Submissions (2):

CeGaT Center for Human Genetics Tuebingen
Classification: Likely benign. Last evaluated: 2025-08-01. Review status: criteria provided, single submitter. Criteria: CeGaT Center For Human Genetics Tuebingen Variant Classification Criteria Version 2. Collection method: clinical testing. Allele origin: germline. Affected: yes. Observed: 1 variant allele.
Comment: PHOX2B: PM2:Supporting, BP4, BP7

Ambry Genetics
Classification: Likely benign for Hereditary cancer-predisposing syndrome. Last evaluated: 2020-06-10. Review status: criteria provided, single submitter. Criteria: Ambry Variant Classification Scheme 2023. Collection method: clinical testing. Allele origin: germline.